The following is an entry in ClinVar:

ClinVar aggregate classification (germline): Uncertain significance (1 of 4 stars; one submission).

Conditions:
Inborn genetic diseases. Identifiers: MedGen C0950123, MeSH D030342.

Submission:

Ambry Genetics
Classification: Uncertain significance for Inborn genetic diseases. Last evaluated: 2024-09-15. Review status: criteria provided, single submitter. Criteria: Ambry Variant Classification Scheme 2023. Collection method: clinical testing. Allele origin: germline.
Comment: The p.Q1667K variant (also known as c.4999C>A), located in coding exon 28 of the ATR gene, results from a C to A substitution at nucleotide position 4999. The glutamine at codon 1667 is replaced by lysine, an amino acid with similar properties. This amino acid position is conserved. In addition, this alteration is predicted to be tolerated by in silico analysis. Based on the available evidence, the clinical significance of this variant remains unclear.

NM_001184.4(ATR):c.4999C>A (p.Gln1667Lys)

Gene: ATR (ATR serine/threonine kinase; minus strand). Cytogenetic location: 3q23.
Variant type: single nucleotide variant.
Coding change: c.4999C>A on transcript NM_001184.4 (MANE Select); coding-DNA position 4999, C replaced by A.
Protein change: p.Gln1667Lys; replaces glutamine 1667 with lysine.
Molecular consequence: missense variant.
Genome position (GRCh38, 1-based): chr3:142,507,963, G>T on the plus strand (C>A on the coding strand, the complement: ATR is on the minus strand). VCF-style: chr3-142507963-G-T. GRCh37 (hg19) VCF-style: chr3-142226805-G-T.
Other names: c.4807C>A, p.Gln1603Lys (NM_001354579.2); short protein forms Q1603K, Q1667K.
Identifiers: ClinVar variation 3461243 (VCV003461243.1).